The following is an entry in ClinVar:

NM_018297.4(NGLY1):c.1515del (p.Arg506fs)

Gene: NGLY1 (N-glycanase 1; minus strand). Cytogenetic location: 3p24.2.
Variant type: Deletion.
Coding change: c.1515del on transcript NM_018297.4 (MANE Select); coding-DNA position 1515, one base deleted (T; older notation c.1515delT).
Protein change: p.Arg506fs; shifts the reading frame from arginine 506.
Molecular consequence: frameshift variant.
Genome position (GRCh38, 1-based): chr3:25,729,229, A deleted on the plus strand (T on the coding strand, the reverse complement: NGLY1 is on the minus strand); the first of 2 consecutive A bases (chr3:25,729,229-25,729,230); deleting either gives the same sequence. VCF-style (leftmost placement, unchanged base first): chr3-25729228-GA-G. GRCh37 (hg19) VCF-style: chr3-25770719-GA-G.
Other names: c.1461del, p.Arg488fs (NM_001145293.2); c.1389del, p.Arg464fs (NM_001145294.2); c.1515del, p.Arg506fs (NM_001145295.2); short protein forms R464fs, R488fs, R506fs.
Identifiers: ClinVar variation 1076851 (VCV001076851.5), dbSNP rs1705416478, ClinGen allele CA1046098096.

ClinVar aggregate classification (germline): Pathogenic (1 of 4 stars; one submission).

Conditions:
Congenital disorder of deglycosylation (CDDG). Identifiers: MedGen C3808991, MONDO:0031376.

Submission:

Labcorp Genetics (formerly Invitae), Labcorp
Classification: Pathogenic for Congenital disorder of deglycosylation. Last evaluated: 2020-11-18. Review status: criteria provided, single submitter. Criteria: Invitae Variant Classification Sherloc (09022015). Collection method: clinical testing. Allele origin: germline.
Comment: For these reasons, this variant has been classified as Pathogenic. Loss-of-function variants in NGLY1 are known to be pathogenic (PMID: 24651605). This variant has not been reported in the literature in individuals with NGLY1-related conditions. This variant is not present in population databases (ExAC no frequency). This sequence change creates a premature translational stop signal (p.Arg506Glufs*57) in the NGLY1 gene. It is expected to result in an absent or disrupted protein product.

Literature cited by the submitters: PubMed 24651605.